The following is an entry in ClinVar:

ClinVar aggregate classification (germline): Uncertain significance (1 of 4 stars; one submission).

Submission:

Women's Health and Genetics/Laboratory Corporation of America, LabCorp
Classification: Uncertain significance. Last evaluated: 2026-02-17. Review status: criteria provided, single submitter. Criteria: LabCorp Variant Classification Summary - May 2015. Collection method: clinical testing. Allele origin: germline.
Comment: Variant summary: SCN10A c.3231A>G (p.Gly1077Gly) alters a non-conserved nucleotide located close to a canonical splice site and therefore could affect mRNA splicing, leading to a significantly altered protein sequence. Consensus agreement among computation tools predict no significant impact on normal splicing. However, these predictions have yet to be confirmed by functional studies. The variant allele was found at a frequency of 5e-06 in 200902 control chromosomes (gnomAD). The available data on variant occurrences in the general population are insufficient to allow any conclusion about variant significance. To our knowledge, no occurrence of c.3231A>G in individuals affected with SCN10A-related conditions and no experimental evidence demonstrating its impact on protein function have been reported. No submitters have cited clinical-significance assessments for this variant to ClinVar. Based on the evidence outlined above, the variant was classified as uncertain significance.

NM_006514.4(SCN10A):c.3231A>G (p.Gly1077=)

Genes: SCN10A (sodium voltage-gated channel alpha subunit 10; minus strand), LOC110121288 (VISTA enhancer hs2268; plus strand). Cytogenetic location: 3p22.2.
Variant type: single nucleotide variant.
Coding change: c.3231A>G on transcript NM_006514.4 (MANE Select); coding-DNA position 3231, A replaced by G.
Protein change: p.Gly1077=; no amino-acid change (glycine 1077 retained).
Molecular consequence: synonymous variant.
Genome position (GRCh38, 1-based): chr3:38,723,551, T>C on the plus strand (A>G on the coding strand, the complement: SCN10A is on the minus strand). VCF-style: chr3-38723551-T-C. GRCh37 (hg19) VCF-style: chr3-38765042-T-C.
Other names: c.3228A>G, p.Gly1076= (NM_001293306.2); c.2937A>G, p.Gly979= (NM_001293307.2).
Identifiers: ClinVar variation 4848294 (VCV004848294.1).